The following is an entry in ClinVar:

ClinVar aggregate classification (germline): Uncertain significance (1 of 4 stars; one submission).

Submission:

Quest Diagnostics Nichols Institute San Juan Capistrano
Classification: Uncertain significance. Last evaluated: 2024-01-03. Review status: criteria provided, single submitter. Criteria: Quest Diagnostics criteria. Collection method: clinical testing. Allele origin: unknown.
Comment: The RAD50 c.2922+7T>A variant has not been reported in individuals with RAD50-related conditions in the published literature. It also has not been reported in large, multi-ethnic general populations (Genome Aggregation Database). Analysis of this variant using software algorithms for the prediction of the effect of nucleotide changes on splicing yielded predictions that this variant does not affect RAD50 mRNA splicing. Based on the available information, we are unable to determine the clinical significance of this variant.

NM_005732.4(RAD50):c.2922+7T>A

Gene: RAD50 (RAD50 double strand break repair protein; plus strand). Cytogenetic location: 5q31.1.
Variant type: single nucleotide variant.
Coding change: c.2922+7T>A on transcript NM_005732.4 (MANE Select); 7 bases into the intron after coding-DNA position 2922, T replaced by A.
Molecular consequence: intron variant.
Genome position (GRCh38, 1-based): chr5:132,609,216, T>A. VCF-style: chr5-132609216-T-A. GRCh37 (hg19) VCF-style: chr5-131944908-T-A.
Identifiers: ClinVar variation 3572260 (VCV003572260.1).